The following is an entry in ClinVar:

ClinVar aggregate classification (germline): Likely pathogenic (1 of 4 stars; one submission).

Conditions:
Retinoblastoma (RB1). Also called: RETINOBLASTOMA, SOMATIC. Identifiers: Orphanet 790, MedGen C0035335, MeSH D012175, MONDO:0008380, OMIM 180200, HP:0009919. Disease mechanism: loss of function. Inheritance: Both sporadic and heritable forms are tested..

Submission:

Diller/Parad Lab, Dana-Farber/Harvard Cancer Center
Classification: Likely pathogenic for Retinoblastoma. Last evaluated: 2026-05-29. Review status: criteria provided, single submitter. Criteria: ACMG Guidelines, 2015. Collection method: research. Allele origin: germline. Affected: yes.
Comment: It has been classified as Likely Pathogenic using Richards et al (PMID:25741868) based on the following evidence codes: PM2, PVS1.

NM_000321.3(RB1):c.1529_1530del (p.Thr510fs)

Gene: RB1 (RB transcriptional corepressor 1; plus strand). Cytogenetic location: 13q14.2.
Variant type: Deletion.
Coding change: c.1529_1530del on transcript NM_000321.3 (MANE Select); coding-DNA positions 1529 to 1530, 2 bases deleted (CA; older notation c.1529_1530delCA).
Protein change: p.Thr510fs; shifts the reading frame from threonine 510.
Molecular consequence: frameshift variant.
Genome position (GRCh38, 1-based): chr13:48,381,277-48,381,278, CA deleted; deleting any 2 consecutive bases within chr13:48,381,276-48,381,278 gives the same sequence; the c. name uses the placement nearest the transcript's 3' end. VCF-style (leftmost placement, unchanged base first): chr13-48381275-AAC-A. GRCh37 (hg19) VCF-style: chr13-48955411-AAC-A.
Other names: c.1529_1530del, p.Thr510fs (NM_001407165.1, NM_001407166.1); short protein forms T510fs.
Identifiers: ClinVar variation 4884449 (VCV004884449.1).
Genomic context (GRCh38, chr13:48,381,275, plus strand): 5'-CATAAATAGTTACTTTTTTTTTTCATTTTTAGGAAGTACATCTCAGAATCTTGATTCTGG[AAC>A]AGATTTGTCTTTCCCATGGATTCTGAATGTGCTTAATTTAAAAGCCTTTGATTTTTACAA-3'